The following is an entry in ClinVar:

ClinVar aggregate classification (germline): Uncertain significance. Review status: criteria provided, multiple submitters, no conflicts (2 of 4 stars). 6 submissions from 6 submitters: Uncertain significance (6). Last evaluated 2026-02-17.

Conditions:
ATM-related disorder. Also called: ATM-related disorders; ATM-related condition.
Hereditary cancer-predisposing syndrome. Also called: Neoplastic Syndromes, Hereditary; Hereditary Cancer Syndrome; Tumor predisposition; Hereditary neoplastic syndrome. Identifiers: Orphanet 140162, MedGen C0027672, MeSH D009386, MONDO:0015356.
Familial cancer of breast. Also called: BREAST CANCER, FAMILIAL; hereditary breast carcinoma; Hereditary breast cancer. Identifiers: Orphanet 227535, MedGen C0346153, MONDO:0016419, OMIM 114480. Disease mechanism: loss of function.
Ataxia-telangiectasia syndrome (AT). Also called: Ataxia-telangiectasia, complementation group D; AT, COMPLEMENTATION GROUP C; Ataxia-telangiectasia; ATAXIA-TELANGIECTASIA, COMPLEMENTATION GROUP A; ATAXIA-TELANGIECTASIA, FRESNO VARIANT; Ataxia-telangiectasia, complementation group E. Identifiers: Orphanet 100, MedGen C0004135, MONDO:0008840, OMIM 208900.

Allele frequency attached by ClinVar (database versions not stated): TOPMed below 0.00001.

Submissions (6):

PreventionGenetics, part of Exact Sciences
Classification: Uncertain significance for ATM-related condition. Last evaluated: 2026-02-17. Review status: criteria provided, single submitter. Criteria: ACMG Guidelines, 2015. Collection method: clinical testing. Allele origin: germline.
Comment: The ATM c.6239A>G variant is predicted to result in the amino acid substitution p.Tyr2080Cys. This variant has been reported in two individuals with breast cancer (Breast Cancer Association Consortium et al. 2021. PubMed ID: 33471991). It is not reported in a large population database (gnomAD), indicating this variant is rare, and is interpreted as variant of uncertain significance in ClinVar (Variation ID: 127424). Another missense affecting this residue, p.Tyr2080Asp, has been reported as likely pathogenic for ataxia-telangiectasia (Carranza et al. 2017. PubMed ID: 27664052; ClinVar Variation ID: 421954). At this time, the clinical significance of this variant is uncertain due to the absence of conclusive functional and genetic evidence.

Labcorp Genetics (formerly Invitae), Labcorp
Classification: Uncertain significance for Ataxia-telangiectasia syndrome. Last evaluated: 2026-01-19. Review status: criteria provided, single submitter. Criteria: Invitae Variant Classification Sherloc (09022015). Collection method: clinical testing. Allele origin: germline.
Comment: This sequence change replaces tyrosine, which is neutral and polar, with cysteine, which is neutral and slightly polar, at codon 2080 of the ATM protein (p.Tyr2080Cys). This variant is not present in population databases (gnomAD no frequency). This variant has not been reported in the literature in individuals affected with ATM-related conditions. ClinVar contains an entry for this variant (Variation ID: 127424). Invitae Evidence Modeling of protein sequence and biophysical properties (such as structural, functional, and spatial information, amino acid conservation, physicochemical variation, residue mobility, and thermodynamic stability) indicates that this missense variant is not expected to disrupt ATM protein function with a negative predictive value of 95%. In summary, the available evidence is currently insufficient to determine the role of this variant in disease. Therefore, it has been classified as a Variant of Uncertain Significance.

Ambry Genetics
Classification: Uncertain significance for Hereditary cancer-predisposing syndrome. Last evaluated: 2024-10-30. Review status: criteria provided, single submitter. Criteria: Ambry Variant Classification Scheme 2023. Collection method: clinical testing. Allele origin: germline.
Comment: The p.Y2080C variant (also known as c.6239A>G), located in coding exon 42 of the ATM gene, results from an A to G substitution at nucleotide position 6239. The tyrosine at codon 2080 is replaced by cysteine, an amino acid with highly dissimilar properties. This amino acid position is highly conserved in available vertebrate species. In addition, the in silico prediction for this alteration is inconclusive. Based on the available evidence, the clinical significance of this variant remains unclear.

Baylor Genetics
Classification: Uncertain significance for Familial cancer of breast. Last evaluated: 2023-12-20. Review status: criteria provided, single submitter. Criteria: ACMG Guidelines, 2015. Collection method: clinical testing. Allele origin: unknown.

Color Diagnostics, LLC DBA Color Health
Classification: Uncertain significance for Hereditary cancer-predisposing syndrome. Last evaluated: 2022-05-06. Review status: criteria provided, single submitter. Criteria: ACMG Guidelines, 2015. Collection method: clinical testing. Allele origin: germline.
Comment: This missense variant replaces tyrosine with cysteine at codon 2080 of the ATM protein. Computational prediction suggests that this variant may not impact protein structure and function (internally defined REVEL score threshold <= 0.5, PMID: 27666373). To our knowledge, functional studies have not been reported for this variant. In a large international case-control study, this variant was reported in 2/60466 breast cancer cases and 0/53461 controls (PMID: 33471991). This variant has not been identified in the general population by the Genome Aggregation Database (gnomAD). The available evidence is insufficient to determine the role of this variant in disease conclusively. Therefore, this variant is classified as a Variant of Uncertain Significance.

GeneDx
Classification: Uncertain significance. Last evaluated: 2015-09-16. Review status: criteria provided, single submitter. Criteria: GeneDx Variant Classification (06012015). Collection method: clinical testing. Allele origin: germline. Affected: yes.
Comment: This variant is denoted ATM c.6239A>G at the cDNA level, p.Tyr2080Cys (Y2080C) at the protein level, and results in the change of a Tyrosine to a Cysteine (TAT>TGT). This variant has not, to our knowledge, been published in the literature as pathogenic or benign. ATM Tyr2080Cys was not observed in approximately 6,500 individuals of European and African American ancestry in the NHLBI Exome Sequencing Project, indicating it is not a common benign variant in these populations. Since Tyrosine and Cysteine differ in polarity, charge, size or other properties, this is considered a non-conservative amino acid substitution. ATM Tyr2080Cys occurs at a position that is conserved across species and is located in the FAT domain (Stracker 2013, UniProt). In silico analyses predict that this variant is probably damaging to protein structure and function. Based on currently available information, it is unclear whether ATM Tyr2080Cys is pathogenic or benign. We consider it to be a variant of uncertain significance.

Literature cited by the submitters: PubMed 33471991 (cited by Color Diagnostics, LLC DBA Color Health).

NM_000051.4(ATM):c.6239A>G (p.Tyr2080Cys)

Genes: ATM (ATM serine/threonine kinase; plus strand), C11orf65 (chromosome 11 open reading frame 65; minus strand). Cytogenetic location: 11q22.3.
Variant type: single nucleotide variant.
Coding change: c.6239A>G on transcript NM_000051.4 (MANE Select); coding-DNA position 6239, A replaced by G.
Protein change: p.Tyr2080Cys; replaces tyrosine 2080 with cysteine.
Molecular consequence: missense variant. On other transcripts: intron variant (2).
Genome position (GRCh38, 1-based): chr11:108,317,413, A>G. VCF-style: chr11-108317413-A-G. GRCh37 (hg19) VCF-style: chr11-108188140-A-G.
Other names: p.Y2080C:TAT>TGT; c.6239A>G, p.Tyr2080Cys (NM_001351834.2); c.641-8342T>C (NM_001330368.2); c.*39-8342T>C (NM_001351110.2); short protein forms Y2080C.
Identifiers: ClinVar variation 127424 (VCV000127424.22), dbSNP rs587779855, ClinGen allele CA286934.